The following is an entry in ClinVar:

ClinVar aggregate classification (germline): Likely benign (1 of 4 stars; one submission).

gnomAD v4.1: 3 of 1,614,104 alleles (0.00019%); no homozygotes.

Submission:

Women's Health and Genetics/Laboratory Corporation of America, LabCorp
Classification: Likely benign. Last evaluated: 2026-01-26. Review status: criteria provided, single submitter. Criteria: LabCorp Variant Classification Summary - May 2015. Collection method: clinical testing. Allele origin: germline.
Comment: Variant summary: PROKR2 c.429C>G alters a conserved nucleotide resulting in a synonymous change. Consensus agreement among computation tools predict no significant impact on normal splicing. However, these predictions have yet to be confirmed by functional studies. The variant was absent in 251306 control chromosomes. The available data on variant occurrences in the general population are insufficient to allow any conclusion about variant significance. To our knowledge, no occurrence of c.429C>G in individuals affected with PROKR2-related conditions and no experimental evidence demonstrating its impact on protein function have been reported. No submitters have cited clinical-significance assessments for this variant to ClinVar. Based on the evidence outlined above, the variant was classified as likely benign.

NM_144773.4(PROKR2):c.429C>G (p.Thr143=)

Gene: PROKR2 (prokineticin receptor 2; minus strand). Cytogenetic location: 20p12.3.
Variant type: single nucleotide variant.
Coding change: c.429C>G on transcript NM_144773.4 (MANE Select); coding-DNA position 429, C replaced by G.
Protein change: p.Thr143=; no amino-acid change (threonine 143 retained).
Molecular consequence: synonymous variant.
Genome position (GRCh38, 1-based): chr20:5,313,941, G>C on the plus strand (C>G on the coding strand, the complement: PROKR2 is on the minus strand). VCF-style: chr20-5313941-G-C. GRCh37 (hg19) VCF-style: chr20-5294587-G-C.
Identifiers: ClinVar variation 4689706 (VCV004689706.1).
Genomic context (GRCh38, chr20:5,313,941, plus strand): 5'-CCCCACCACTCACCCCACCCACCATCCTCACCTGTCAATGGCAATGGCCAGCAAGGCATT[G>C]GTGGAGACGTAGAGGGAGACGGTGCGCAGGTAGTTGACGGAGGCACAGAGCACGTGGCCA-3'
Protein context (NP_658986.1, residues 133-153): YLRTVSLYVS[Thr143=]NALLAIAIDR